The following is an entry in ClinVar:

ClinVar aggregate classification (germline): Uncertain significance. Review status: criteria provided, multiple submitters, no conflicts (2 of 4 stars). 6 submissions from 5 submitters: Uncertain significance (5). 1 of the submissions does not count toward it. Last evaluated 2026-03-01.

Conditions:
Bietti crystalline corneoretinal dystrophy (BCD). Also called: BIETTI TAPETORETINAL DEGENERATION WITH MARGINAL CORNEAL DYSTROPHY; Bietti Crystalline Dystrophy. Identifiers: Orphanet 41751, MedGen C1859486, MONDO:0008865, OMIM 210370.
Corneal dystrophy. Identifiers: Orphanet 34533, MedGen C0010036, MONDO:0018102, HP:0001131.
Retinal dystrophy. Also called: Inherited retinal dystrophy. Identifiers: Orphanet 71862, MedGen C0854723, MeSH D058499, MONDO:0019118, HP:0000556.

Allele frequency attached by ClinVar (database versions not stated): ExAC 0.00005; TOPMed 0.00008; gnomAD exomes 0.00005; gnomAD 0.00007; ESP Exome Variant Server 0.00008.
gnomAD v4.1: 83 of 1,614,244 alleles (0.0051%); highest among the groups gnomAD compares: Non-Finnish European, 0.0065%; 1 homozygote.

Submissions (6):

CeGaT Center for Human Genetics Tuebingen
Classification: Uncertain significance. Last evaluated: 2026-03-01. Review status: criteria provided, single submitter. Criteria: CeGaT Center For Human Genetics Tuebingen Variant Classification Criteria Version 2. Collection method: clinical testing. Allele origin: germline. Affected: yes. Observed: 1 variant allele.
Comment: CYP4V2: PM2

Blueprint Genetics
Classification: Uncertain significance. Last evaluated: 2024-10-14. Review status: criteria provided, single submitter. Criteria: ACMG Guidelines, 2015. Collection method: clinical testing. Allele origin: germline.

Labcorp Genetics (formerly Invitae), Labcorp
Classification: Uncertain significance. Last evaluated: 2022-08-16. Review status: criteria provided, single submitter. Criteria: Invitae Variant Classification Sherloc (09022015). Collection method: clinical testing. Allele origin: germline.
Comment: This sequence change replaces valine, which is neutral and non-polar, with alanine, which is neutral and non-polar, at codon 395 of the CYP4V2 protein (p.Val395Ala). This variant is present in population databases (rs143711287, gnomAD 0.01%). This variant has not been reported in the literature in individuals affected with CYP4V2-related conditions. ClinVar contains an entry for this variant (Variation ID: 902351). Algorithms developed to predict the effect of missense changes on protein structure and function are either unavailable or do not agree on the potential impact of this missense change (SIFT: "Deleterious"; PolyPhen-2: "Probably Damaging"; Align-GVGD: "Class C0"). In summary, the available evidence is currently insufficient to determine the role of this variant in disease. Therefore, it has been classified as a Variant of Uncertain Significance.

Illumina Laboratory Services, Illumina
Classification: Uncertain significance for Corneal dystrophy. Last evaluated: 2018-01-13. Review status: criteria provided, single submitter. Criteria: ICSL Variant Classification Criteria 13 December 2019. Collection method: clinical testing. Allele origin: germline.

Illumina Laboratory Services, Illumina
Classification: Uncertain significance for Bietti crystalline corneoretinal dystrophy. Last evaluated: 2018-01-13. Review status: criteria provided, single submitter. Criteria: ICSL Variant Classification Criteria 13 December 2019. Collection method: clinical testing. Allele origin: germline.

Institute of Human Genetics, Univ. Regensburg, Univ. Regensburg
Classification: Uncertain significance for Retinal dystrophy. Last evaluated: 2023-01-01. Review status: no assertion criteria provided. Criteria: ACMG Guidelines, 2015. Collection method: clinical testing. Allele origin: germline. Affected: yes. Not counted in ClinVar's aggregate classification.

NM_207352.4(CYP4V2):c.1184T>C (p.Val395Ala)

Gene: CYP4V2 (cytochrome P450 family 4 subfamily V member 2; plus strand). Cytogenetic location: 4q35.2.
Variant type: single nucleotide variant.
Coding change: c.1184T>C on transcript NM_207352.4 (MANE Select); coding-DNA position 1184, T replaced by C.
Protein change: p.Val395Ala; replaces valine 395 with alanine.
Molecular consequence: missense variant.
Genome position (GRCh38, 1-based): chr4:186,208,958, T>C. VCF-style: chr4-186208958-T-C. GRCh37 (hg19) VCF-style: chr4-187130112-T-C.
Other names: short protein forms V395A.
Identifiers: ClinVar variation 902351 (VCV000902351.12), dbSNP rs143711287, ClinGen allele CA3162778.